The following is an entry in ClinVar:

NM_005859.5(PURA):c.478A>G (p.Lys160Glu)

Gene: PURA (purine rich element binding protein A; plus strand). Cytogenetic location: 5q31.3.
Variant type: single nucleotide variant.
Coding change: c.478A>G on transcript NM_005859.5 (MANE Select); coding-DNA position 478, A replaced by G.
Protein change: p.Lys160Glu; replaces lysine 160 with glutamic acid.
Molecular consequence: missense variant.
Genome position (GRCh38, 1-based): chr5:140,114,659, A>G. VCF-style: chr5-140114659-A-G. GRCh37 (hg19) VCF-style: chr5-139494244-A-G.
Other names: short protein forms K160E.
Identifiers: ClinVar variation 1313493 (VCV001313493.6), dbSNP rs2126749118, ClinGen allele CA361490860.

ClinVar aggregate classification (germline): Pathogenic. Review status: criteria provided, multiple submitters, no conflicts (2 of 4 stars). 2 submissions from 2 submitters: Pathogenic (2). Last evaluated 2025-04-24.

Conditions:
PURA-related severe neonatal hypotonia-seizures-encephalopathy syndrome (NEDRIHF). Also called: PURA-Related Neurodevelopmental Disorders; NEURODEVELOPMENTAL DISORDER WITH NEONATAL RESPIRATORY INSUFFICIENCY, HYPOTONIA, AND FEEDING DIFFICULTIES. Identifiers: Orphanet 438213, Orphanet 438216, MedGen C4015357, MONDO:1060108, OMIM 616158, MONDO:0018580.

Submissions (2):

GeneDx
Classification: Pathogenic. Last evaluated: 2025-04-24. Review status: criteria provided, single submitter. Criteria: GeneDx Variant Classification Process June 2021. Collection method: clinical testing. Allele origin: germline. Affected: yes.
Comment: Not observed at significant frequency in large population cohorts (gnomAD); In silico analysis supports that this missense variant has a deleterious effect on protein structure/function; This variant is associated with the following publications: (PMID: 34790866)

Laboratoire de Génétique Moléculaire, CHU Bordeaux
Classification: Pathogenic for PURA-related severe neonatal hypotonia-seizures-encephalopathy syndrome. Last evaluated: 2023-05-04. Review status: criteria provided, single submitter. Criteria: ACMG Guidelines, 2015. Collection method: clinical testing. Allele origin: germline. Affected: yes.